The following is an entry in ClinVar:

NM_001365088.1(SLC12A6):c.1250A>G (p.Asn417Ser)

Gene: SLC12A6 (solute carrier family 12 member 6; minus strand). Cytogenetic location: 15q14.
Variant type: single nucleotide variant.
Coding change: c.1250A>G on transcript NM_001365088.1 (MANE Select); coding-DNA position 1250, A replaced by G.
Protein change: p.Asn417Ser; replaces asparagine 417 with serine.
Molecular consequence: missense variant.
Genome position (GRCh38, 1-based): chr15:34,252,253, T>C on the plus strand (A>G on the coding strand, the complement: SLC12A6 is on the minus strand). VCF-style: chr15-34252253-T-C. GRCh37 (hg19) VCF-style: chr15-34544454-T-C.
Other names: c.1073A>G, p.Asn358Ser (NM_001042494.2, NM_001042495.2); c.1223A>G, p.Asn408Ser (NM_001042496.2); c.1205A>G, p.Asn402Ser (NM_001042497.2); c.1097A>G, p.Asn366Ser (NM_005135.2); c.1250A>G, p.Asn417Ser (NM_133647.2); short protein forms N366S, N417S, N408S, N358S, N402S.
Identifiers: ClinVar variation 315615 (VCV000315615.29), dbSNP rs199945338, ClinGen allele CA7464350.

ClinVar aggregate classification (germline): Conflicting classifications of pathogenicity. Review status: criteria provided, conflicting classifications (1 of 4 stars). 7 submissions from 7 submitters: Uncertain significance (5); Likely benign (1). 1 of the submissions does not count toward it. Last evaluated 2026-01-18.

Conditions:
Agenesis of the corpus callosum with peripheral neuropathy (ACCPN). Also called: CHARLEVOIX DISEASE; POLYNEUROPATHY, SENSORIMOTOR, WITH OR WITHOUT AGENESIS OF THE CORPUS CALLOSUM; HMSN/ACC; Hereditary Motor and Sensory Neuropathy with Agenesis of the Corpus Callosum. Identifiers: Orphanet 1496, MedGen C0795950, MONDO:0000902, OMIM 218000. Disease mechanism: loss of function.
Charcot-Marie-Tooth disease, axonal, IIa 2II. Also called: CHARCOT-MARIE-TOOTH NEUROPATHY, TYPE 2II; Charcot-Marie-Tooth disease, axonal, type 2II; Charcot-marie-tooth disease, axonal,IIa 2II. Identifiers: MedGen C5774227, MONDO:0031068, OMIM 620068.

Allele frequency attached by ClinVar (database versions not stated): ExAC 0.00023; gnomAD exomes 0.00025; gnomAD 0.00033 and 0.00034; TOPMed 0.00047.
gnomAD v4.1: 361 of 1,608,322 alleles (0.022%); highest among the groups gnomAD compares: Admixed American, 0.068%; no homozygotes.

Submissions (7):

Labcorp Genetics (formerly Invitae), Labcorp
Classification: Likely benign. Last evaluated: 2026-01-18. Review status: criteria provided, single submitter. Criteria: Invitae Variant Classification Sherloc (09022015). Collection method: clinical testing. Allele origin: germline.

GeneDx
Classification: Uncertain significance. Last evaluated: 2023-01-30. Review status: criteria provided, single submitter. Criteria: GeneDx Variant Classification Process June 2021. Collection method: clinical testing. Allele origin: germline. Affected: yes.
Comment: In silico analysis supports that this missense variant does not alter protein structure/function; Has not been previously published as pathogenic or benign to our knowledge

Department of Pathology and Laboratory Medicine, Sinai Health System
Classification: Uncertain significance for Agenesis of the corpus callosum with peripheral neuropathy; Charcot-Marie-Tooth disease, axonal, IIa 2II. Last evaluated: 2022-03-28. Review status: criteria provided, single submitter. Criteria: ACMG Guidelines, 2015. Collection method: research. Allele origin: germline.

Mayo Clinic Laboratories, Mayo Clinic
Classification: Uncertain significance. Last evaluated: 2022-03-16. Review status: criteria provided, single submitter. Criteria: ACMG Guidelines, 2015. Collection method: clinical testing. Allele origin: germline. Observed: 5 variant alleles.
Comment: BP4_moderate

Genome-Nilou Lab
Classification: Uncertain significance for Agenesis of the corpus callosum with peripheral neuropathy. Last evaluated: 2021-07-15. Review status: criteria provided, single submitter. Criteria: ACMG Guidelines, 2015. Collection method: clinical testing. Allele origin: germline. Affected: no.

Illumina Laboratory Services, Illumina
Classification: Uncertain significance for Agenesis of the corpus callosum with peripheral neuropathy. Last evaluated: 2018-01-13. Review status: criteria provided, single submitter. Criteria: ICSL Variant Classification Criteria 13 December 2019. Collection method: clinical testing. Allele origin: germline.

Natera, Inc.
Classification: Uncertain significance for Andermann syndrome. Last evaluated: 2020-04-18. Review status: no assertion criteria provided. Collection method: clinical testing. Allele origin: germline. Not counted in ClinVar's aggregate classification.